The following is an entry in ClinVar:

NM_025081.3(NYNRIN):c.5064C>A (p.His1688Gln)

Gene: NYNRIN (NYN domain and retroviral integrase containing; plus strand). Cytogenetic location: 14q12.
Variant type: single nucleotide variant.
Coding change: c.5064C>A on transcript NM_025081.3 (MANE Select); coding-DNA position 5064, C replaced by A.
Protein change: p.His1688Gln; replaces histidine 1688 with glutamine.
Molecular consequence: missense variant.
Genome position (GRCh38, 1-based): chr14:24,416,813, C>A. VCF-style: chr14-24416813-C-A. GRCh37 (hg19) VCF-style: chr14-24886019-C-A.
Other names: short protein forms H1688Q.
Identifiers: ClinVar variation 4813139 (VCV004813139.1).

ClinVar aggregate classification (germline): Uncertain significance (1 of 4 stars; one submission).

Conditions:
Predisposition to Wilms tumor.

Submission:

St. Jude Molecular Pathology, St. Jude Children's Research Hospital
Classification: Uncertain significance for Predisposition to Wilms tumor. Last evaluated: 2026-02-11. Review status: criteria provided, single submitter. Criteria: St. Jude Assertion Criteria 2020. Collection method: clinical testing. Allele origin: germline.
Comment: The NYNRIN c.5064C>A p.(His1688Gln) missense change is absent in gnomAD v2.1.1. The in silico tool REVEL predicts a benign effect on protein function, but to our knowledge this prediction has not been confirmed by functional studies. To our knowledge, this variant has not been reported in individuals with Wilms tumor. In summary, the evidence currently available is insufficient to determine the clinical significance of this variant. It has therefore been classified as of uncertain significance.